The following is an entry in ClinVar:

NM_001009944.3(PKD1):c.644_648delinsGAGA (p.Phe215_Ser216delinsTer)

Gene: PKD1 (polycystin 1, transient receptor potential channel interacting; minus strand). Cytogenetic location: 16p13.3.
Variant type: Indel.
Coding change: c.644_648delinsGAGA on transcript NM_001009944.3 (MANE Select); coding-DNA positions 644 to 648, TCTCC replaced by GAGA.
Protein change: p.Phe215_Ser216delinsTer.
Molecular consequence: nonsense. On other transcripts: frameshift variant (1).
Genome position (GRCh38, 1-based): chr16:2,118,344-2,118,348, GGAGA replaced by TCTC on the plus strand (TCTCC replaced by GAGA on the coding strand, the reverse complement: PKD1 is on the minus strand). VCF-style: chr16-2118344-GGAGA-TCTC. GRCh37 (hg19) VCF-style: chr16-2168345-GGAGA-TCTC.
Other names: c.644_648delinsGAGA, p.Phe215_Ser216delinsTer (NM_000296.4); c.644_648delTCTCCinsGAGA, p.Phe215Terfs (NM_001009944.2); c.644_648delinsGAGA (NM_001009944.2).
Identifiers: ClinVar variation 5010247 (VCV005010247.1).

ClinVar aggregate classification (germline): Likely pathogenic (1 of 4 stars; one submission).

Submission:

Genetic Services Laboratory, University of Chicago
Classification: Likely pathogenic. Last evaluated: 2025-07-01. Review status: criteria provided, single submitter. Criteria: ACMG Guidelines, 2015. Collection method: clinical testing. Allele origin: germline.
Comment: The c.644_648delinsGAGA variant: Results in a frameshift and the creation of a premature stop codon 44 amino acids downstream from this variant, p.Phe215Tyrfs*44. Is predicted to result in an abnormal transcript, which may be degraded, or may lead to the production of a truncated PKD1 protein with potentially abnormal function. Has not been described in population databases such as gnomAD v4. Has not been reported in individuals with PKD1-related disorder; however, truncating PKD1 variants are known to be pathogenic (PMID: 38194940). ClinVar does not contain an entry for this variant. Collectively this evidence indicates that this variant is pathogenic; however functional studies have not been performed to prove this conclusively.